The following is an entry in ClinVar:

ClinVar aggregate classification (germline): Likely benign. Review status: criteria provided, multiple submitters, no conflicts (2 of 4 stars). 2 submissions from 2 submitters: Likely benign (2). Last evaluated 2025-05-12.

Conditions:
MKS1-related disorder. Also called: MKS1-related condition; MKS1-related disorders. Identifiers: MedGen CN239382.
Meckel-Gruber syndrome. Also called: Dysencephalia splachnocystica; DYSENCEPHALIA SPLANCHNOCYSTICA; GRUBER SYNDROME. Identifiers: Orphanet 564, MedGen C0265215, MONDO:0018921.
Joubert syndrome. Also called: Familial aplasia of the vermis; JOUBERT-BOLTSHAUSER SYNDROME. Identifiers: Orphanet 475, MedGen C5979921, MONDO:0018772.

Submissions (2):

PreventionGenetics, part of Exact Sciences
Classification: Likely benign for MKS1-related condition. Last evaluated: 2025-05-12. Review status: criteria provided, single submitter. Criteria: ACMG Guidelines, 2015. Collection method: clinical testing. Allele origin: germline.
Comment: This variant is classified as likely benign based on ACMG/AMP sequence variant interpretation guidelines (Richards et al. 2015 PMID: 25741868, with internal and published modifications).

Labcorp Genetics (formerly Invitae), Labcorp
Classification: Likely benign for Joubert syndrome; Meckel-Gruber syndrome. Last evaluated: 2023-05-09. Review status: criteria provided, single submitter. Criteria: Invitae Variant Classification Sherloc (09022015). Collection method: clinical testing. Allele origin: germline.

NM_017777.4(MKS1):c.1416C>G (p.Arg472=)

Gene: MKS1 (MKS transition zone complex subunit 1; minus strand). Cytogenetic location: 17q22.
Variant type: single nucleotide variant.
Coding change: c.1416C>G on transcript NM_017777.4 (MANE Select); coding-DNA position 1416, C replaced by G.
Protein change: p.Arg472=; no amino-acid change (arginine 472 retained).
Molecular consequence: synonymous variant. On other transcripts: intron variant (2).
Genome position (GRCh38, 1-based): chr17:58,206,539, G>C on the plus strand (C>G on the coding strand, the complement: MKS1 is on the minus strand). VCF-style: chr17-58206539-G-C. GRCh37 (hg19) VCF-style: chr17-56283900-G-C.
Other names: c.807C>G, p.Arg269= (NM_001321268.2); c.1274-159C>G (NM_001330397.2); c.1408-159C>G (NM_001321269.2).
Identifiers: ClinVar variation 2925740 (VCV002925740.4), dbSNP rs1421301211, ClinGen allele CA501324289.